The following is an entry in ClinVar:

NM_001349253.2(SCN11A):c.5170A>G (p.Ile1724Val)

Gene: SCN11A (sodium voltage-gated channel alpha subunit 11; minus strand). Cytogenetic location: 3p22.2.
Variant type: single nucleotide variant.
Coding change: c.5170A>G on transcript NM_001349253.2 (MANE Select); coding-DNA position 5170, A replaced by G.
Protein change: p.Ile1724Val; replaces isoleucine 1724 with valine.
Molecular consequence: missense variant.
Genome position (GRCh38, 1-based): chr3:38,846,900, T>C on the plus strand (A>G on the coding strand, the complement: SCN11A is on the minus strand). VCF-style: chr3-38846900-T-C. GRCh37 (hg19) VCF-style: chr3-38888391-T-C.
Other names: c.5170A>G, p.Ile1724Val (NM_014139.3); c.5170A>G (NM_014139.2); short protein forms I1724V.
Identifiers: ClinVar variation 1984026 (VCV001984026.5), dbSNP rs912580113, ClinGen allele CA72959317.

ClinVar aggregate classification (germline): Uncertain significance. Review status: criteria provided, multiple submitters, no conflicts (2 of 4 stars). 2 submissions from 2 submitters: Uncertain significance (2). Last evaluated 2025-10-23.

Conditions:
Inborn genetic diseases. Identifiers: MedGen C0950123, MeSH D030342.
Hereditary sensory and autonomic neuropathy type 7. Also called: HSAN VII; Neuropathy, hereditary sensory and autonomic, type VII. Identifiers: Orphanet 391397, MedGen C3809882, MONDO:0014244, OMIM 615548.
Familial episodic pain syndrome with predominantly lower limb involvement. Also called: Episodic pain syndrome, familial, 3. Identifiers: Orphanet 391384, Orphanet 391392, MedGen C3809899, MONDO:0014247, OMIM 615552.

Allele frequency attached by ClinVar (database versions not stated): gnomAD 0.00001; TOPMed 0.00001.
gnomAD v4.1: 3 of 1,614,022 alleles (0.00019%); highest among the groups gnomAD compares: African/African-American, 0.0013%; no homozygotes.

Submissions (2):

Ambry Genetics
Classification: Uncertain significance for Inborn genetic diseases. Last evaluated: 2025-10-23. Review status: criteria provided, single submitter. Criteria: Ambry Variant Classification Scheme 2023. Collection method: clinical testing. Allele origin: germline.

Labcorp Genetics (formerly Invitae), Labcorp
Classification: Uncertain significance for Familial episodic pain syndrome with predominantly lower limb involvement; Hereditary sensory and autonomic neuropathy type 7. Last evaluated: 2022-09-19. Review status: criteria provided, single submitter. Criteria: Invitae Variant Classification Sherloc (09022015). Collection method: clinical testing. Allele origin: germline.
Comment: In summary, the available evidence is currently insufficient to determine the role of this variant in disease. Therefore, it has been classified as a Variant of Uncertain Significance. Advanced modeling of protein sequence and biophysical properties (such as structural, functional, and spatial information, amino acid conservation, physicochemical variation, residue mobility, and thermodynamic stability) performed at Invitae indicates that this missense variant is not expected to disrupt SCN11A protein function. This variant has not been reported in the literature in individuals affected with SCN11A-related conditions. This variant is not present in population databases (gnomAD no frequency). This sequence change replaces isoleucine, which is neutral and non-polar, with valine, which is neutral and non-polar, at codon 1724 of the SCN11A protein (p.Ile1724Val).